The following is an entry in ClinVar:

NM_007294.4(BRCA1):c.2674T>C (p.Leu892=)

Gene: BRCA1 (BRCA1 DNA repair associated; minus strand). Cytogenetic location: 17q21.31.
Variant type: single nucleotide variant.
Coding change: c.2674T>C on transcript NM_007294.4 (MANE Select); coding-DNA position 2674, T replaced by C.
Protein change: p.Leu892=; no amino-acid change (leucine 892 retained).
Molecular consequence: synonymous variant. On other transcripts: intron variant (137).
Genome position (GRCh38, 1-based): chr17:43,092,857, A>G on the plus strand (T>C on the coding strand, the complement: BRCA1 is on the minus strand). VCF-style: chr17-43092857-A-G. GRCh37 (hg19) VCF-style: chr17-41244874-A-G.
Other names: c.2461T>C, p.Leu821= (NM_001407571.1, NM_001407853.1, NM_001407894.1 and 9 more transcripts); c.2674T>C, p.Leu892= (NM_001407581.1, NM_001407582.1, NM_001407583.1 and 30 more transcripts); c.2671T>C, p.Leu891= (NM_001407587.1, NM_001407590.1, NM_001407591.1 and 22 more transcripts); c.2665T>C, p.Leu889= (NM_001407646.1, NM_001407647.1); c.2551T>C, p.Leu851= (NM_001407648.1, NM_001407664.1, NM_001407665.1 and 19 more transcripts); c.2548T>C, p.Leu850= (NM_001407649.1, NM_001407670.1, NM_001407671.1 and 11 more transcripts); c.2596T>C, p.Leu866= (NM_001407653.1, NM_001407654.1, NM_001407655.1 and 4 more transcripts); c.2593T>C, p.Leu865= (NM_001407659.1, NM_001407660.1, NM_001407661.1 and 1 more transcripts); and 41 more.
Identifiers: ClinVar variation 386793 (VCV000386793.20), dbSNP rs137998759, ClinGen allele CA058373.

ClinVar aggregate classification (germline): Likely benign. Review status: reviewed by expert panel (3 of 4 stars). 6 submissions from 6 submitters: Likely benign (1). 5 of the submissions do not count toward it. Last evaluated 2017-06-29.

Conditions:
Breast-ovarian cancer, familial, susceptibility to, 1 (BROVCA1). Also called: BRCA1 Hereditary Breast and Ovarian Cancer; OVARIAN CANCER, SUSCEPTIBILITY TO. Identifiers: Orphanet 145, MedGen C2676676, MONDO:0011450, OMIM 604370. Disease mechanism: loss of function.
Hereditary breast ovarian cancer syndrome. Also called: Hereditary breast and ovarian cancer syndrome; Breast and ovarian cancer; Hereditary breast and ovarian cancer syndrome (HBOC); Hereditary breast and/or ovarian cancer syndrome; BRCA1- and BRCA2-Associated Hereditary Breast and Ovarian Cancer; Hereditary breast and ovarian cancer. Identifiers: Orphanet 145, MedGen C0677776, MeSH D061325, MONDO:0003582. Disease mechanism: loss of function.
Hereditary cancer-predisposing syndrome. Also called: Neoplastic Syndromes, Hereditary; Hereditary neoplastic syndrome; Hereditary Cancer Syndrome; Tumor predisposition. Identifiers: Orphanet 140162, MedGen C0027672, MeSH D009386, MONDO:0015356.

Allele frequency attached by ClinVar (database versions not stated): ExAC 0.00001; gnomAD exomes 0.00001; ESP Exome Variant Server 0.00008.
gnomAD v4.1: 20 of 1,613,966 alleles (0.0012%); highest among the groups gnomAD compares: East Asian, 0.0045%; no homozygotes.

Submissions (6):

Evidence-based Network for the Interpretation of Germline Mutant Alleles (ENIGMA)
Classification: Likely benign for Breast-ovarian cancer, familial, susceptibility to, 1. Last evaluated: 2017-06-29. Review status: reviewed by expert panel. Criteria: ENIGMA BRCA1/2 Classification Criteria (2017-06-29). Collection method: curation. Allele origin: germline.
Comment: Synonymous substitution variant, with low bioinformatic likelihood to result in a splicing aberration (Splicing prior probability 0.02).

Labcorp Genetics (formerly Invitae), Labcorp
Classification: Likely benign for Hereditary breast ovarian cancer syndrome. Last evaluated: 2026-02-04. Review status: criteria provided, single submitter. Criteria: Invitae Variant Classification Sherloc (09022015). Collection method: clinical testing. Allele origin: germline. Not counted in ClinVar's aggregate classification.

Women's Health and Genetics/Laboratory Corporation of America, LabCorp
Classification: Likely benign. Last evaluated: 2025-11-15. Review status: criteria provided, single submitter. Criteria: LabCorp Variant Classification Summary - May 2015. Collection method: clinical testing. Allele origin: germline. Not counted in ClinVar's aggregate classification.

Color Diagnostics, LLC DBA Color Health
Classification: Likely benign for Hereditary cancer-predisposing syndrome. Last evaluated: 2022-04-19. Review status: criteria provided, single submitter. Criteria: ACMG Guidelines, 2015. Collection method: clinical testing. Allele origin: germline. Not counted in ClinVar's aggregate classification.

GeneDx
Classification: Likely benign. Last evaluated: 2016-06-01. Review status: criteria provided, single submitter. Criteria: GeneDx Variant Classification (06012015). Collection method: clinical testing. Allele origin: germline. Affected: yes. Not counted in ClinVar's aggregate classification.
Comment: This variant is considered likely benign or benign based on one or more of the following criteria: it is a conservative change, it occurs at a poorly conserved position in the protein, it is predicted to be benign by multiple in silico algorithms, and/or has population frequency not consistent with disease.

Ambry Genetics
Classification: Likely benign for Hereditary cancer-predisposing syndrome. Last evaluated: 2016-04-29. Review status: criteria provided, single submitter. Criteria: Ambry Variant Classification Scheme 2023. Collection method: clinical testing. Allele origin: germline. Not counted in ClinVar's aggregate classification.